The following is an entry in ClinVar:

ClinVar aggregate classification (germline): Likely benign. Review status: criteria provided, multiple submitters, no conflicts (2 of 4 stars). 2 submissions from 2 submitters: Likely benign (2). Last evaluated 2026-01-27.

Conditions:
Familial hemophagocytic lymphohistiocytosis 2 (FHL2). Also called: PRF1-Related Familial Hemophagocytic Lymphohistiocytosis (PRF1-fHLH). Identifiers: Orphanet 540, MedGen C1863727, MONDO:0011337, OMIM 603553.
PRF1-related disorder. Also called: PRF1-related condition.

Allele frequency attached by ClinVar (database versions not stated): gnomAD 0.00008; TOPMed 0.00009; ExAC 0.00011.

Submissions (2):

Labcorp Genetics (formerly Invitae), Labcorp
Classification: Likely benign for Familial hemophagocytic lymphohistiocytosis 2. Last evaluated: 2026-01-27. Review status: criteria provided, single submitter. Criteria: Invitae Variant Classification Sherloc (09022015). Collection method: clinical testing. Allele origin: germline.

PreventionGenetics, part of Exact Sciences
Classification: Likely benign for PRF1-related condition. Last evaluated: 2025-01-23. Review status: criteria provided, single submitter. Criteria: ACMG Guidelines, 2015. Collection method: clinical testing. Allele origin: germline.
Comment: This variant is classified as likely benign based on ACMG/AMP sequence variant interpretation guidelines (Richards et al. 2015 PMID: 25741868, with internal and published modifications).

NM_001083116.3(PRF1):c.867G>A (p.Thr289=)

Gene: PRF1 (perforin 1; minus strand). Cytogenetic location: 10q22.1.
Variant type: single nucleotide variant.
Coding change: c.867G>A on transcript NM_001083116.3 (MANE Select); coding-DNA position 867, G replaced by A.
Protein change: p.Thr289=; no amino-acid change (threonine 289 retained).
Molecular consequence: synonymous variant.
Genome position (GRCh38, 1-based): chr10:70,598,854, C>T on the plus strand (G>A on the coding strand, the complement: PRF1 is on the minus strand). VCF-style: chr10-70598854-C-T. GRCh37 (hg19) VCF-style: chr10-72358610-C-T.
Other names: c.867G>A (NM_001083116.1); c.867G>A, p.Thr289= (NM_005041.6).
Identifiers: ClinVar variation 1122932 (VCV001122932.10), dbSNP rs745670464, ClinGen allele CA5538898.